The following is an entry in ClinVar:

NM_020937.4(FANCM):c.4487A>C (p.Lys1496Thr)

Gene: FANCM (FA complementation group M; plus strand). Cytogenetic location: 14q21.2.
Variant type: single nucleotide variant.
Coding change: c.4487A>C on transcript NM_020937.4 (MANE Select); coding-DNA position 4487, A replaced by C.
Protein change: p.Lys1496Thr; replaces lysine 1496 with threonine.
Molecular consequence: missense variant.
Genome position (GRCh38, 1-based): chr14:45,183,874, A>C. VCF-style: chr14-45183874-A-C. GRCh37 (hg19) VCF-style: chr14-45653077-A-C.
Other names: c.4409A>C, p.Lys1470Thr (NM_001308133.2); short protein forms K1496T, K1470T.
Identifiers: ClinVar variation 5036594 (VCV005036594.1).

ClinVar aggregate classification (germline): Uncertain significance (1 of 4 stars; one submission).

Conditions:
Inborn genetic diseases. Identifiers: MedGen C0950123, MeSH D030342.

Submission:

Ambry Genetics
Classification: Uncertain significance for Inborn genetic diseases. Last evaluated: 2026-06-29. Review status: criteria provided, single submitter. Criteria: Ambry Variant Classification Scheme 2023. Collection method: clinical testing. Allele origin: germline.
Comment: The p.K1496T variant (also known as c.4487A>C), located in coding exon 17 of the FANCM gene, results from an A to C substitution at nucleotide position 4487. The lysine at codon 1496 is replaced by threonine, an amino acid with similar properties. This amino acid position is conserved. In addition, this alteration is predicted to be tolerated by in silico analysis. Based on the available evidence, the clinical significance of this variant remains unclear.